The following is an entry in ClinVar:

ClinVar aggregate classification (germline): Uncertain significance (1 of 4 stars; one submission).

Conditions:
Autosomal recessive spinocerebellar ataxia 18. Identifiers: Orphanet 363432, MedGen C4015505, MONDO:0014530, OMIM 616204.

Submission:

Laboratorio de Genetica e Diagnostico Molecular, Hospital Israelita Albert Einstein
Classification: Uncertain significance for Autosomal recessive spinocerebellar ataxia 18. Last evaluated: 2024-07-03. Review status: criteria provided, single submitter. Criteria: ACMG Guidelines, 2015. Collection method: clinical testing. Allele origin: germline. Affected: yes.
Comment: ACMG classification criteria: PM2 supporting, PP3 supporting

NM_001510.4(GRID2):c.2411G>C (p.Trp804Ser)

Gene: GRID2 (glutamate ionotropic receptor delta type subunit 2; plus strand). Cytogenetic location: 4q22.2.
Variant type: single nucleotide variant.
Coding change: c.2411G>C on transcript NM_001510.4 (MANE Select); coding-DNA position 2411, G replaced by C.
Protein change: p.Trp804Ser; replaces tryptophan 804 with serine.
Molecular consequence: missense variant.
Genome position (GRCh38, 1-based): chr4:93,769,260, G>C. VCF-style: chr4-93769260-G-C. GRCh37 (hg19) VCF-style: chr4-94690411-G-C.
Other names: c.2126G>C, p.Trp709Ser (NM_001286838.1); short protein forms W709S, W804S.
Identifiers: ClinVar variation 4056501 (VCV004056501.1).